The following is an entry in ClinVar:

ClinVar aggregate classification (germline): Likely benign. Review status: criteria provided, multiple submitters, no conflicts (2 of 4 stars). 7 submissions from 7 submitters: Likely benign (6). 1 of the submissions does not count toward it. Last evaluated 2025-05-03.

Conditions:
TGFBR1-related disorder. Also called: TGFBR1-related condition.
Loeys-Dietz syndrome (LDS). Identifiers: Orphanet 60030, MedGen C2697932, MONDO:0018954.
Familial thoracic aortic aneurysm and aortic dissection (TAAD). Also called: Thoracic aortic aneurysms and dissections. Identifiers: Orphanet 91387, MedGen C4707243, MONDO:0019625.

Allele frequency attached by ClinVar (database versions not stated): TOPMed below 0.00001; gnomAD 0.00001; gnomAD exomes 0.00001; ExAC 0.00002; ESP Exome Variant Server 0.00008.
gnomAD v4.1: 15 of 1,613,784 alleles (0.00093%); highest among the groups gnomAD compares: African/African-American, 0.0053%; no homozygotes.

Submissions (7):

Labcorp Genetics (formerly Invitae), Labcorp
Classification: Likely benign for Familial thoracic aortic aneurysm and aortic dissection. Last evaluated: 2025-05-03. Review status: criteria provided, single submitter. Criteria: Invitae Variant Classification Sherloc (09022015). Collection method: clinical testing. Allele origin: germline.

All of Us Research Program, National Institutes of Health
Classification: Likely benign for Loeys-Dietz syndrome. Last evaluated: 2023-08-15. Review status: criteria provided, single submitter. Criteria: ACMG Guidelines, 2015. Collection method: clinical testing. Allele origin: germline. Inheritance: Autosomal dominant inheritance. Observed: 4 variant alleles, 4 heterozygotes.
Comment: This study involves interpretation of variants in research participants for the purpose of population health screening. Participant phenotype was not available at the time of variant classification. Additional details can be found in publication PMID: 35346344, PMCID: PMC8962531

Blueprint Genetics
Classification: Likely benign. Last evaluated: 2021-05-23. Review status: criteria provided, single submitter. Criteria: ACMG Guidelines, 2015. Collection method: clinical testing. Allele origin: germline.

Color Diagnostics, LLC DBA Color Health
Classification: Likely benign for Familial thoracic aortic aneurysm and aortic dissection. Last evaluated: 2020-12-08. Review status: criteria provided, single submitter. Criteria: ACMG Guidelines, 2015. Collection method: clinical testing. Allele origin: germline.

CeGaT Center for Human Genetics Tuebingen
Classification: Likely benign. Last evaluated: 2020-02-01. Review status: criteria provided, single submitter. Criteria: CeGaT Center For Human Genetics Tuebingen Variant Classification Criteria Version 2. Collection method: clinical testing. Allele origin: germline. Affected: yes. Observed: 1 variant allele.

Breakthrough Genomics
Classification: Likely benign. Review status: criteria provided, single submitter. Criteria: ACMG Guidelines, 2015. Collection method: not provided. Allele origin: germline. Inheritance: Autosomal dominant inheritance. Affected: yes.

PreventionGenetics, part of Exact Sciences
Classification: Likely benign for TGFBR1-related condition. Last evaluated: 2019-07-01. Review status: no assertion criteria provided. Collection method: clinical testing. Allele origin: germline. Not counted in ClinVar's aggregate classification.
Comment: This variant is classified as likely benign based on ACMG/AMP sequence variant interpretation guidelines (Richards et al. 2015 PMID: 25741868, with internal and published modifications).

NM_004612.4(TGFBR1):c.606G>A (p.Ala202=)

Gene: TGFBR1 (transforming growth factor beta receptor 1; plus strand). Cytogenetic location: 9q22.33.
Variant type: single nucleotide variant.
Coding change: c.606G>A on transcript NM_004612.4 (MANE Select); coding-DNA position 606, G replaced by A.
Protein change: p.Ala202=; no amino-acid change (alanine 202 retained).
Molecular consequence: synonymous variant.
Genome position (GRCh38, 1-based): chr9:99,137,890, G>A. VCF-style: chr9-99137890-G-A. GRCh37 (hg19) VCF-style: chr9-101900172-G-A.
Other names: c.606G>A (NM_004612.3); c.375G>A, p.Ala125= (NM_001130916.3); c.618G>A, p.Ala206= (NM_001306210.2).
Identifiers: ClinVar variation 707722 (VCV000707722.54), dbSNP rs201497553, ClinGen allele CA042649.
Genomic context (GRCh38, chr9:99,137,890, plus strand): 5'-TGTTGAGTACTATTTATTTTTACCTTTAGGTTTACCATTGCTTGTTCAGAGAACAATTGC[G>A]AGAACTATTGTGTTACAAGAAAGCATTGGCAAAGGTCGATTTGGAGAAGTTTGGAGAGGA-3'
Protein context (NP_004603.1, residues 192-212): GLPLLVQRTI[Ala202=]RTIVLQESIG